The following is an entry in ClinVar:

ClinVar aggregate classification (germline): Likely pathogenic (1 of 4 stars; one submission).

Conditions:
PKD1-related disorder. Also called: PKD1-related condition.

Submission:

PreventionGenetics, part of Exact Sciences
Classification: Likely pathogenic for PKD1-related condition. Last evaluated: 2025-11-06. Review status: criteria provided, single submitter. Criteria: ACMG Guidelines, 2015. Collection method: clinical testing. Allele origin: germline.
Comment: The PKD1 c.8161+1dupG variant is predicted to result in a duplication affecting a canonical splice site. This variant is predicted to disrupt the splice donor site (SpliceAI, Jaganathan et al. 2019. PubMed ID: 30661751). To our knowledge, this variant has not been reported in the literature or in a large population database (gnomAD), indicating this variant is rare. Variants that disrupt canonical splice sites in PKD1 are expected to be pathogenic. This variant is interpreted as likely pathogenic.

NM_001009944.3(PKD1):c.8161+1dup

Gene: PKD1 (polycystin 1, transient receptor potential channel interacting; minus strand). Cytogenetic location: 16p13.3.
Variant type: Duplication.
Coding change: c.8161+1dup on transcript NM_001009944.3 (MANE Select); the canonical splice donor site of the intron after coding-DNA position 8161, one base duplicated (G; older notation c.8161+1dupG).
Molecular consequence: splice donor variant.
Genome position (GRCh38, 1-based): chr16:2,104,497, C duplicated on the plus strand (G on the coding strand, the reverse complement: PKD1 is on the minus strand); the first of 2 consecutive C bases (chr16:2,104,497-2,104,498); duplicating either gives the same sequence. VCF-style (leftmost placement, unchanged base first): chr16-2104496-A-AC. GRCh37 (hg19) VCF-style: chr16-2154497-A-AC.
Other names: c.8161+1dup (NM_000296.4).
Identifiers: ClinVar variation 3349265 (VCV003349265.2).